The following is an entry in ClinVar:

NM_001199107.2(TBC1D24):c.247G>T (p.Gly83Cys)

Gene: TBC1D24 (TBC1 domain family member 24; plus strand). Cytogenetic location: 16p13.3.
Variant type: single nucleotide variant.
Coding change: c.247G>T on transcript NM_001199107.2 (MANE Select); coding-DNA position 247, G replaced by T.
Protein change: p.Gly83Cys; replaces glycine 83 with cysteine.
Molecular consequence: missense variant.
Genome position (GRCh38, 1-based): chr16:2,496,395, G>T. VCF-style: chr16-2496395-G-T. GRCh37 (hg19) VCF-style: chr16-2546396-G-T.
Other names: c.247G>T, p.Gly83Cys (NM_020705.3); short protein forms G83C.
Identifiers: ClinVar variation 2114715 (VCV002114715.4), dbSNP rs2505512712, ClinGen allele CA394375164.

ClinVar aggregate classification (germline): Uncertain significance (1 of 4 stars; one submission).

Conditions:
Developmental and epileptic encephalopathy, 1 (DEE1). Also called: X-linked infantile spasms; West's syndrome; Tonic spasms with clustering, arrest of psychomotor development and hypsarrhythmia on EEG; X-Linked Infantile Spasm Syndrome; OHTAHARA SYNDROME, X-LINKED; INFANTILE SPASM SYNDROME, X-LINKED 1. Identifiers: MedGen C3463992, MONDO:0010632, OMIM 308350. Disease mechanism: loss of function.
Autosomal dominant nonsyndromic hearing loss 65. Also called: Deafness, autosomal dominant 65; TBC1D24-Related Autosomal Dominant Nonsyndromic Hearing Loss (DFNA). Identifiers: Orphanet 90635, MedGen C3892048, MONDO:0014470, OMIM 616044.

Submission:

Labcorp Genetics (formerly Invitae), Labcorp
Classification: Uncertain significance for Developmental and epileptic encephalopathy, 1; Autosomal dominant nonsyndromic hearing loss 65. Last evaluated: 2022-03-19. Review status: criteria provided, single submitter. Criteria: Invitae Variant Classification Sherloc (09022015). Collection method: clinical testing. Allele origin: germline.
Comment: In summary, the available evidence is currently insufficient to determine the role of this variant in disease. Therefore, it has been classified as a Variant of Uncertain Significance. Advanced modeling of protein sequence and biophysical properties (such as structural, functional, and spatial information, amino acid conservation, physicochemical variation, residue mobility, and thermodynamic stability) performed at Invitae indicates that this missense variant is expected to disrupt TBC1D24 protein function. This sequence change replaces glycine, which is neutral and non-polar, with cysteine, which is neutral and slightly polar, at codon 83 of the TBC1D24 protein (p.Gly83Cys). This variant is not present in population databases (gnomAD no frequency). This variant has not been reported in the literature in individuals affected with TBC1D24-related conditions.